The following is an entry in ClinVar:

NM_003076.5(SMARCD1):c.1A>T (p.Met1Leu)

Genes: SMARCD1 (SWI/SNF related BAF chromatin remodeling complex subunit D1; plus strand), LOC130007872 (ATAC-STARR-seq lymphoblastoid silent region 4446; plus strand). Cytogenetic location: 12q13.12.
Variant type: single nucleotide variant.
Coding change: c.1A>T on transcript NM_003076.5 (MANE Select); coding-DNA position 1, A replaced by T.
Protein change: p.Met1Leu; changes the start codon (methionine 1).
Molecular consequence: missense variant, initiator codon variant.
Genome position (GRCh38, 1-based): chr12:50,085,370, A>T. VCF-style: chr12-50085370-A-T. GRCh37 (hg19) VCF-style: chr12-50479153-A-T.
Other names: c.1A>T, p.Met1Leu (NM_139071.3); short protein forms M1L.
Identifiers: ClinVar variation 4992717 (VCV004992717.1).

ClinVar aggregate classification (germline): Uncertain significance (1 of 4 stars; one submission).

Conditions:
SMARCD1-related condition.

Submission:

PreventionGenetics, part of Exact Sciences
Classification: Uncertain significance for SMARCD1-related condition. Last evaluated: 2026-05-15. Review status: criteria provided, single submitter. Criteria: ACMG Guidelines, 2015. Collection method: clinical testing. Allele origin: germline.
Comment: The SMARCD1 c.1A>T variant is predicted to disrupt the translation initiation site (Start loss). To our knowledge, this variant has not been reported in the literature or in a large population database (gnomAD), indicating this variant is rare. Although we suspect that this variant may be pathogenic, at this time, the clinical significance of this variant is uncertain due to the absence of conclusive functional and genetic evidence.